The following is an entry in ClinVar:

ClinVar aggregate classification (germline): Benign. Review status: criteria provided, multiple submitters, no conflicts (2 of 4 stars). 4 submissions from 4 submitters: Benign (3). 1 of the submissions does not count toward it. Last evaluated 2026-02-04.

Conditions:
DMXL2-related disorder. Also called: DMXL2-related condition.

Allele frequency attached by ClinVar (database versions not stated): 1000 Genomes Project 30x 0.01031; TOPMed 0.01046; gnomAD 0.01091 and 0.01171; 1000 Genomes Project 0.01178; gnomAD exomes 0.01197; ESP Exome Variant Server 0.01256; ExAC 0.01320.
gnomAD v4.1: 28,477 of 1,611,314 alleles (1.8%); highest among the groups gnomAD compares: East Asian, 6.8%; 458 homozygotes.

Submissions (4):

Labcorp Genetics (formerly Invitae), Labcorp
Classification: Benign. Last evaluated: 2026-02-04. Review status: criteria provided, single submitter. Criteria: Invitae Variant Classification Sherloc (09022015). Collection method: clinical testing. Allele origin: germline.

Mayo Clinic Laboratories, Mayo Clinic
Classification: Benign. Last evaluated: 2024-11-26. Review status: criteria provided, single submitter. Criteria: ACMG Guidelines, 2015. Collection method: clinical testing. Allele origin: germline. Observed: 6 variant alleles.
Comment: BA1, BS2

Breakthrough Genomics
Classification: Benign. Review status: criteria provided, single submitter. Criteria: ACMG Guidelines, 2015. Collection method: not provided. Allele origin: germline. Inheritance: Autosomal recessive inheritance. Affected: yes.

PreventionGenetics, part of Exact Sciences
Classification: Benign for DMXL2-related condition. Last evaluated: 2019-05-17. Review status: no assertion criteria provided. Collection method: clinical testing. Allele origin: germline. Not counted in ClinVar's aggregate classification.
Comment: This variant is classified as benign based on ACMG/AMP sequence variant interpretation guidelines (Richards et al. 2015 PMID: 25741868, with internal and published modifications).

NM_001378457.1(DMXL2):c.6408C>A (p.Ala2136=)

Gene: DMXL2 (Dmx like 2; minus strand). Cytogenetic location: 15q21.2.
Variant type: single nucleotide variant.
Coding change: c.6408C>A on transcript NM_001378457.1 (MANE Select); coding-DNA position 6408, C replaced by A.
Protein change: p.Ala2136=; no amino-acid change (alanine 2136 retained).
Molecular consequence: synonymous variant. On other transcripts: non-coding transcript variant (2).
Genome position (GRCh38, 1-based): chr15:51,480,698, G>T on the plus strand (C>A on the coding strand, the complement: DMXL2 is on the minus strand). VCF-style: chr15-51480698-G-T. GRCh37 (hg19) VCF-style: chr15-51772895-G-T.
Other names: p.Ala2136=; c.6408C>A (NM_001174116.1, NM_001174116.2); c.6408C>A, p.Ala2136= (NM_001174116.3, NM_001378458.1, NM_001378459.1 and 4 more transcripts); c.4500C>A, p.Ala1500= (NM_001174117.3); c.4389C>A, p.Ala1463= (NM_001378460.1); c.6168C>A, p.Ala2056= (NM_001378464.1).
Identifiers: ClinVar variation 1669062 (VCV001669062.12), dbSNP rs78376092, ClinGen allele CA7561642.